The following is an entry in ClinVar:

NM_145020.5(CFAP53):c.1513C>A (p.Arg505Ser)

Gene: CFAP53 (cilia and flagella associated protein 53; minus strand). Cytogenetic location: 18q21.1.
Variant type: single nucleotide variant.
Coding change: c.1513C>A on transcript NM_145020.5 (MANE Select); coding-DNA position 1513, C replaced by A.
Protein change: p.Arg505Ser; replaces arginine 505 with serine.
Molecular consequence: missense variant.
Genome position (GRCh38, 1-based): chr18:50,227,413, G>T on the plus strand (C>A on the coding strand, the complement: CFAP53 is on the minus strand). VCF-style: chr18-50227413-G-T. GRCh37 (hg19) VCF-style: chr18-47753783-G-T.
Other names: c.1513C>A (NM_145020.3); short protein forms R505S.
Identifiers: ClinVar variation 1953801 (VCV001953801.8), dbSNP rs192619553, ClinGen allele CA8962083.

ClinVar aggregate classification (germline): Uncertain significance. Review status: criteria provided, multiple submitters, no conflicts (2 of 4 stars). 2 submissions from 2 submitters: Uncertain significance (2). Last evaluated 2025-06-25.

Conditions:
Heterotaxy, visceral, 6, autosomal (HTX6). Also called: Heterotaxy, visceral, 6, autosomal recessive. Identifiers: Orphanet 450, MedGen C3553676, MONDO:0013887, OMIM 614779.
Inborn genetic diseases. Identifiers: MedGen C0950123, MeSH D030342.

Allele frequency attached by ClinVar (database versions not stated): 1000 Genomes Project 0.00040; 1000 Genomes Project 30x 0.00047.
gnomAD v4.1: 851 of 1,614,050 alleles (0.053%); highest among the groups gnomAD compares: Non-Finnish European, 0.065%; 1 homozygote.

Submissions (2):

Ambry Genetics
Classification: Uncertain significance for Inborn genetic diseases. Last evaluated: 2025-06-25. Review status: criteria provided, single submitter. Criteria: Ambry Variant Classification Scheme 2023. Collection method: clinical testing. Allele origin: germline.

Labcorp Genetics (formerly Invitae), Labcorp
Classification: Uncertain significance for Heterotaxy, visceral, 6, autosomal. Last evaluated: 2022-01-12. Review status: criteria provided, single submitter. Criteria: Invitae Variant Classification Sherloc (09022015). Collection method: clinical testing. Allele origin: germline.
Comment: This variant has not been reported in the literature in individuals affected with CFAP53-related conditions. In summary, the available evidence is currently insufficient to determine the role of this variant in disease. Therefore, it has been classified as a Variant of Uncertain Significance. Algorithms developed to predict the effect of missense changes on protein structure and function are either unavailable or do not agree on the potential impact of this missense change (SIFT: "Not Available"; PolyPhen-2: "Probably Damaging"; Align-GVGD: "Not Available"). This variant is present in population databases (rs192619553, gnomAD 0.06%). This sequence change replaces arginine, which is basic and polar, with serine, which is neutral and polar, at codon 505 of the CFAP53 protein (p.Arg505Ser).